The following is an entry in ClinVar:

ClinVar aggregate classification (germline): Uncertain significance (1 of 4 stars; one submission).

Submission:

GeneDx
Classification: Uncertain significance. Last evaluated: 2023-06-30. Review status: criteria provided, single submitter. Criteria: GeneDx Variant Classification Process June 2021. Collection method: clinical testing. Allele origin: germline. Affected: yes.
Comment: Not observed at significant frequency in large population cohorts (gnomAD); In silico analysis supports that this missense variant has a deleterious effect on protein structure/function; Has not been previously published as pathogenic or benign to our knowledge

NM_001347721.2(DYRK1A):c.502T>C (p.Tyr168His)

Gene: DYRK1A (dual specificity tyrosine phosphorylation regulated kinase 1A; plus strand). Cytogenetic location: 21q22.13.
Variant type: single nucleotide variant.
Coding change: c.502T>C on transcript NM_001347721.2 (MANE Select); coding-DNA position 502, T replaced by C.
Protein change: p.Tyr168His; replaces tyrosine 168 with histidine.
Molecular consequence: missense variant.
Genome position (GRCh38, 1-based): chr21:37,486,479, T>C. VCF-style: chr21-37486479-T-C. GRCh37 (hg19) VCF-style: chr21-38858781-T-C.
Other names: c.502T>C, p.Tyr168His (NM_001347722.2, NM_130436.2); c.415T>C, p.Tyr139His (NM_001347723.2); c.529T>C, p.Tyr177His (NM_001396.5, NM_101395.2, NM_130438.2); short protein forms Y139H, Y168H, Y177H.
Identifiers: ClinVar variation 3360714 (VCV003360714.1).